The following is an entry in ClinVar:

ClinVar aggregate classification (germline): Uncertain significance (1 of 4 stars; one submission).

Conditions:
Episodic kinesigenic dyskinesia (EKD). Also called: Paroxysmal kinesigenic dyskinesia. Identifiers: Orphanet 98809, MedGen C1868682, MONDO:0044202.

Submission:

Labcorp Genetics (formerly Invitae), Labcorp
Classification: Uncertain significance for Episodic kinesigenic dyskinesia. Last evaluated: 2025-02-27. Review status: criteria provided, single submitter. Criteria: Invitae Variant Classification Sherloc (09022015). Collection method: clinical testing. Allele origin: germline.
Comment: This sequence change replaces lysine, which is basic and polar, with arginine, which is basic and polar, at codon 19 of the PRRT2 protein (p.Lys19Arg). This variant is not present in population databases (gnomAD no frequency). This variant has not been reported in the literature in individuals affected with PRRT2-related conditions. Invitae Evidence Modeling of protein sequence and biophysical properties (such as structural, functional, and spatial information, amino acid conservation, physicochemical variation, residue mobility, and thermodynamic stability) indicates that this missense variant is not expected to disrupt PRRT2 protein function with a negative predictive value of 95%. In summary, the available evidence is currently insufficient to determine the role of this variant in disease. Therefore, it has been classified as a Variant of Uncertain Significance.

NM_145239.3(PRRT2):c.56A>G (p.Lys19Arg)

Genes: MVP-DT (MVP divergent transcript; minus strand), PRRT2 (proline rich transmembrane protein 2; plus strand). Cytogenetic location: 16p11.2.
Variant type: single nucleotide variant.
Coding change: c.56A>G on transcript NM_145239.3 (MANE Select); coding-DNA position 56, A replaced by G.
Protein change: p.Lys19Arg; replaces lysine 19 with arginine.
Molecular consequence: missense variant.
Genome position (GRCh38, 1-based): chr16:29,813,110, A>G. VCF-style: chr16-29813110-A-G. GRCh37 (hg19) VCF-style: chr16-29824431-A-G.
Other names: c.56A>G, p.Lys19Arg (NM_001256442.2, NM_001256443.2, NM_001438120.1 and 2 more transcripts); short protein forms K19R.
Identifiers: ClinVar variation 4802921 (VCV004802921.1).